The following is an entry in ClinVar:

ClinVar aggregate classification (germline): Uncertain significance. Review status: criteria provided, multiple submitters, no conflicts (2 of 4 stars). 2 submissions from 2 submitters: Uncertain significance (2). Last evaluated 2025-11-08.

gnomAD v4.1: 1 of 1,614,112 alleles (0.000062%); highest among the groups gnomAD compares: Non-Finnish European, 0.000085%; no homozygotes.

Submissions (2):

Labcorp Genetics (formerly Invitae), Labcorp
Classification: Uncertain significance. Last evaluated: 2025-11-08. Review status: criteria provided, single submitter. Criteria: Invitae Variant Classification Sherloc (09022015). Collection method: clinical testing. Allele origin: germline.
Comment: This sequence change falls in intron 4 of the TUB gene. It does not directly change the encoded amino acid sequence of the TUB protein. This variant is not present in population databases (gnomAD no frequency). This variant has not been reported in the literature in individuals affected with TUB-related conditions. Algorithms developed to predict the effect of sequence changes on RNA splicing suggest that this variant may disrupt the consensus splice site. In summary, the available evidence is currently insufficient to determine the role of this variant in disease. Therefore, it has been classified as a Variant of Uncertain Significance.

Blueprint Genetics
Classification: Uncertain significance. Last evaluated: 2022-03-03. Review status: criteria provided, single submitter. Criteria: ACMG Guidelines, 2015. Collection method: clinical testing. Allele origin: germline.

NM_177972.3(TUB):c.254-19G>A

Genes: RIC3 (RIC3 acetylcholine receptor chaperone; minus strand), TUB (TUB bipartite transcription factor; plus strand). Cytogenetic location: 11p15.4.
Variant type: single nucleotide variant.
Coding change: c.254-19G>A on transcript NM_177972.3 (MANE Select); 19 bases into the intron before coding-DNA position 254, G replaced by A.
Molecular consequence: intron variant. On other transcripts: non-coding transcript variant (1).
Genome position (GRCh38, 1-based): chr11:8,094,027, G>A. VCF-style: chr11-8094027-G-A. GRCh37 (hg19) VCF-style: chr11-8115574-G-A.
Other names: c.272-19G>A (NM_001440538.1, NM_001440539.1, NM_001440540.1 and 1 more transcripts); c.419-19G>A (NM_003320.5); c.254-19G>A (NM_001440541.1).
Identifiers: ClinVar variation 4809309 (VCV004809309.2).